The following is an entry in ClinVar:

ClinVar aggregate classification (germline): Uncertain significance (1 of 4 stars; one submission).

Conditions:
Cardiovascular phenotype. Identifiers: MedGen CN230736.

gnomAD v4.1: 6 of 1,501,334 alleles (0.0004%); highest among the groups gnomAD compares: African/African-American, 0.0082%; no homozygotes.

Submission:

Ambry Genetics
Classification: Uncertain significance for Cardiovascular phenotype. Last evaluated: 2024-08-28. Review status: criteria provided, single submitter. Criteria: Ambry Variant Classification Scheme 2023. Collection method: clinical testing. Allele origin: germline.
Comment: The p.K199R variant (also known as c.596A>G), located in coding exon 7 of the TRDN gene, results from an A to G substitution at nucleotide position 596. The lysine at codon 199 is replaced by arginine, an amino acid with highly similar properties. This amino acid position is conserved. In addition, this alteration is predicted to be tolerated by in silico analysis. Based on the available evidence, the clinical significance of this variant remains unclear.

NM_006073.4(TRDN):c.596A>G (p.Lys199Arg)

Gene: TRDN (triadin; minus strand). Cytogenetic location: 6q22.31.
Variant type: single nucleotide variant.
Coding change: c.596A>G on transcript NM_006073.4 (MANE Select); coding-DNA position 596, A replaced by G.
Protein change: p.Lys199Arg; replaces lysine 199 with arginine.
Molecular consequence: missense variant.
Genome position (GRCh38, 1-based): chr6:123,512,317, T>C on the plus strand (A>G on the coding strand, the complement: TRDN is on the minus strand). VCF-style: chr6-123512317-T-C. GRCh37 (hg19) VCF-style: chr6-123833462-T-C.
Other names: c.596A>G, p.Lys199Arg (NM_001251987.2, NM_001256020.2, NM_001256021.2 and 1 more transcripts); short protein forms K199R.
Identifiers: ClinVar variation 3460992 (VCV003460992.1).